The following is an entry in ClinVar:

ClinVar aggregate classification (germline): Uncertain significance. Review status: criteria provided, multiple submitters, no conflicts (2 of 4 stars). 2 submissions from 2 submitters: Uncertain significance (2). Last evaluated 2023-10-20.

Conditions:
Inborn genetic diseases. Identifiers: MedGen C0950123, MeSH D030342.
Immunodeficiency 104. Also called: SCID, AUTOSOMAL RECESSIVE, T CELL-NEGATIVE, B CELL-POSITIVE, NK CELL-POSITIVE; Severe combined immunodeficiency, autosomal recessive, T cell-negative, B cell-positive, NK cell-positive; Severe Combined Immune Deficiency, Autosomal Recessive, TCell -Negative, B Cell-Positive, NK Cell-Positive, IL7R-Related; IMMUNODEFICIENCY 104, SEVERE COMBINED. Identifiers: MedGen C5676890, MONDO:0012163, OMIM 608971.

Allele frequency attached by ClinVar (database versions not stated): gnomAD 0.00001; ExAC 0.00002; gnomAD exomes 0.00001; TOPMed 0.00001.
gnomAD v4.1: 17 of 1,613,292 alleles (0.0011%); highest among the groups gnomAD compares: Non-Finnish European, 0.0014%; no homozygotes.

Submissions (2):

Ambry Genetics
Classification: Uncertain significance for Inborn genetic diseases. Last evaluated: 2023-10-20. Review status: criteria provided, single submitter. Criteria: Ambry Variant Classification Scheme 2023. Collection method: clinical testing. Allele origin: germline.

Labcorp Genetics (formerly Invitae), Labcorp
Classification: Uncertain significance for Immunodeficiency 104. Last evaluated: 2022-01-19. Review status: criteria provided, single submitter. Criteria: Invitae Variant Classification Sherloc (09022015). Collection method: clinical testing. Allele origin: germline.
Comment: This sequence change replaces proline, which is neutral and non-polar, with arginine, which is basic and polar, at codon 1283 of the PTPRC protein (p.Pro1283Arg). This variant is present in population databases (rs775293081, gnomAD 0.002%). This variant has not been reported in the literature in individuals affected with PTPRC-related conditions. ClinVar contains an entry for this variant (Variation ID: 1010170). Algorithms developed to predict the effect of missense changes on protein structure and function are either unavailable or do not agree on the potential impact of this missense change (SIFT: "Tolerated"; PolyPhen-2: "Possibly Damaging"; Align-GVGD: "Class C0"). In summary, the available evidence is currently insufficient to determine the role of this variant in disease. Therefore, it has been classified as a Variant of Uncertain Significance.

NM_002838.5(PTPRC):c.3848C>G (p.Pro1283Arg)

Gene: PTPRC (protein tyrosine phosphatase receptor type C; plus strand). Cytogenetic location: 1q32.1.
Variant type: single nucleotide variant.
Coding change: c.3848C>G on transcript NM_002838.5 (MANE Select); coding-DNA position 3848, C replaced by G.
Protein change: p.Pro1283Arg; replaces proline 1283 with arginine.
Molecular consequence: missense variant.
Genome position (GRCh38, 1-based): chr1:198,756,108, C>G. VCF-style: chr1-198756108-C-G. GRCh37 (hg19) VCF-style: chr1-198725237-C-G.
Other names: c.3365C>G, p.Pro1122Arg (NM_080921.4); c.3842C>G (NM_002838.3); short protein forms P1122R, P1283R.
Identifiers: ClinVar variation 1010170 (VCV001010170.10), dbSNP rs775293081, ClinGen allele CA1315570.